The following is an entry in ClinVar:

ClinVar aggregate classification (germline): Conflicting classifications of pathogenicity. Review status: criteria provided, conflicting classifications (1 of 4 stars). 9 submissions from 9 submitters: Uncertain significance (6); Benign (1); Likely benign (2). Last evaluated 2026-01-24.

Conditions:
Hereditary cancer-predisposing syndrome. Also called: Hereditary neoplastic syndrome; Tumor predisposition; Hereditary Cancer Syndrome; Neoplastic Syndromes, Hereditary. Identifiers: Orphanet 140162, MedGen C0027672, MeSH D009386, MONDO:0015356.
Medulloblastoma (MDB). Also called: Medulloblastoma, somatic; MEDULLOBLASTOMA PREDISPOSITION SYNDROME. Identifiers: Orphanet 616, MedGen C0025149, MeSH D008527, MONDO:0007959, OMIM 155255, HP:0002885.
Joubert syndrome 32 (JBTS32). Identifiers: MedGen C4540342, MONDO:0033309, OMIM 617757.
Familial meningioma. Also called: Meningioma, familial, susceptibility to. Identifiers: Orphanet 263662, MedGen C3551915, MONDO:0011789, OMIM 607174.
Basal cell nevus syndrome 2 (BCNS2). Also called: NEVOID BASAL CELL CARCINOMA SYNDROME 2. Identifiers: MedGen C5830451, MONDO:0958189, OMIM 620343.
Gorlin syndrome. Also called: Basal cell nevus syndrome; Nevoid Basal Cell Carcinoma Syndrome. Identifiers: Orphanet 377, MedGen C0004779, MONDO:0007187.

Allele frequency attached by ClinVar (database versions not stated): TOPMed 0.00015; gnomAD exomes 0.00020 and 0.00010; ExAC 0.00020.
gnomAD v4.1: 162 of 1,614,122 alleles (0.01%); highest among the groups gnomAD compares: East Asian, 0.085%; no homozygotes.

Submissions (9):

Labcorp Genetics (formerly Invitae), Labcorp
Classification: Likely benign for Gorlin syndrome; Medulloblastoma. Last evaluated: 2026-01-24. Review status: criteria provided, single submitter. Criteria: Invitae Variant Classification Sherloc (09022015). Collection method: clinical testing. Allele origin: germline.

Center for Genomic Medicine, Rigshospitalet, Copenhagen University Hospital
Classification: Uncertain significance. Last evaluated: 2025-12-29. Review status: criteria provided, single submitter. Criteria: ACMG Guidelines, 2015. Collection method: clinical testing. Allele origin: germline.

GeneDx
Classification: Uncertain significance. Last evaluated: 2025-09-17. Review status: criteria provided, single submitter. Criteria: GeneDx Variant Classification Process June 2021. Collection method: clinical testing. Allele origin: germline.
Comment: In silico analysis suggests that this missense variant does not alter protein structure/function; This variant is associated with the following publications: (PMID: 23718828, 12426310, 26580448, 36833422)

Mayo Clinic Laboratories, Mayo Clinic
Classification: Likely benign. Last evaluated: 2025-05-28. Review status: criteria provided, single submitter. Criteria: ACMG Guidelines, 2015. Collection method: clinical testing. Allele origin: germline. Observed: 1 variant allele.
Comment: BS1, BP4

Department of Pathology and Laboratory Medicine, Sinai Health System
Classification: Uncertain significance for Medulloblastoma; Familial meningioma; Joubert syndrome 32; Basal cell nevus syndrome 2. Last evaluated: 2023-09-28. Review status: criteria provided, single submitter. Criteria: ACMG Guidelines, 2015. Collection method: clinical testing. Allele origin: germline. Affected: yes.

Revvity Omics, Revvity
Classification: Uncertain significance. Last evaluated: 2022-09-01. Review status: criteria provided, single submitter. Criteria: ACMG Guidelines, 2015. Collection method: clinical testing. Allele origin: germline.

Ambry Genetics
Classification: Benign for Hereditary cancer-predisposing syndrome. Last evaluated: 2022-07-28. Review status: criteria provided, single submitter. Criteria: Ambry Variant Classification Scheme 2023. Collection method: clinical testing. Allele origin: germline.

Institute for Clinical Genetics, University Hospital TU Dresden, University Hospital TU Dresden
Classification: Uncertain significance. Last evaluated: 2021-11-03. Review status: criteria provided, single submitter. Criteria: ACMG Guidelines, 2015. Collection method: clinical testing. Allele origin: germline.

Illumina Laboratory Services, Illumina
Classification: Uncertain significance for Medulloblastoma. Last evaluated: 2018-01-13. Review status: criteria provided, single submitter. Criteria: ICSL Variant Classification Criteria 13 December 2019. Collection method: clinical testing. Allele origin: germline.

Literature cited by the submitters: PubMed 26580448 (cited by Department of Pathology and Laboratory Medicine, Sinai Health System and Ambry Genetics).

NM_016169.4(SUFU):c.1445C>T (p.Pro482Leu)

Gene: SUFU (SUFU negative regulator of hedgehog signaling; plus strand). Cytogenetic location: 10q24.32.
Variant type: single nucleotide variant.
Coding change: c.1445C>T on transcript NM_016169.4 (MANE Select); coding-DNA position 1445, C replaced by T.
Protein change: p.Pro482Leu; replaces proline 482 with leucine.
Molecular consequence: missense variant.
Genome position (GRCh38, 1-based): chr10:102,630,145, C>T. VCF-style: chr10-102630145-C-T. GRCh37 (hg19) VCF-style: chr10-104389902-C-T.
Other names: p.Pro482Leu; short protein forms P482L.
Identifiers: ClinVar variation 413911 (VCV000413911.29), dbSNP rs765358771, ClinGen allele CA5668006.